The following is an entry in ClinVar:

NM_015102.5(NPHP4):c.926A>G (p.Glu309Gly)

Gene: NPHP4 (nephrocystin 4; minus strand). Cytogenetic location: 1p36.31.
Variant type: single nucleotide variant.
Coding change: c.926A>G on transcript NM_015102.5 (MANE Select); coding-DNA position 926, A replaced by G.
Protein change: p.Glu309Gly; replaces glutamic acid 309 with glycine.
Molecular consequence: missense variant. On other transcripts: 5 prime UTR variant (2), non-coding transcript variant (1).
Genome position (GRCh38, 1-based): chr1:5,948,136, T>C on the plus strand (A>G on the coding strand, the complement: NPHP4 is on the minus strand). VCF-style: chr1-5948136-T-C. GRCh37 (hg19) VCF-style: chr1-6008196-T-C.
Other names: c.-441A>G (NM_001291593.2, NM_001291594.2); short protein forms E309G.
Identifiers: ClinVar variation 1991248 (VCV001991248.4), dbSNP rs2523143283, ClinGen allele CA338064757.

ClinVar aggregate classification (germline): Uncertain significance (1 of 4 stars; one submission).

Conditions:
Nephronophthisis. Also called: Juvenile Nephronophthisis. Identifiers: Orphanet 655, MedGen C0687120, MONDO:0019005, HP:0000090.

Submission:

Labcorp Genetics (formerly Invitae), Labcorp
Classification: Uncertain significance for Nephronophthisis. Last evaluated: 2022-08-20. Review status: criteria provided, single submitter. Criteria: Invitae Variant Classification Sherloc (09022015). Collection method: clinical testing. Allele origin: germline.
Comment: This sequence change replaces glutamic acid, which is acidic and polar, with glycine, which is neutral and non-polar, at codon 309 of the NPHP4 protein (p.Glu309Gly). This variant is not present in population databases (gnomAD no frequency). This variant has not been reported in the literature in individuals affected with NPHP4-related conditions. Algorithms developed to predict the effect of missense changes on protein structure and function are either unavailable or do not agree on the potential impact of this missense change (SIFT: "Deleterious"; PolyPhen-2: "Benign"; Align-GVGD: "Class C0"). In summary, the available evidence is currently insufficient to determine the role of this variant in disease. Therefore, it has been classified as a Variant of Uncertain Significance.